The following is an entry in ClinVar:

NM_004380.3(CREBBP):c.1953T>C (p.Tyr651=)

Gene: CREBBP (CREB binding lysine acetyltransferase; minus strand). Cytogenetic location: 16p13.3.
Variant type: single nucleotide variant.
Coding change: c.1953T>C on transcript NM_004380.3 (MANE Select); coding-DNA position 1953, T replaced by C.
Protein change: p.Tyr651=; no amino-acid change (tyrosine 651 retained).
Molecular consequence: synonymous variant.
Genome position (GRCh38, 1-based): chr16:3,778,171, A>G on the plus strand (T>C on the coding strand, the complement: CREBBP is on the minus strand). VCF-style: chr16-3778171-A-G. GRCh37 (hg19) VCF-style: chr16-3828172-A-G.
Other names: p.Tyr651=; c.1839T>C, p.Tyr613= (NM_001079846.1).
Identifiers: ClinVar variation 158342 (VCV000158342.29), dbSNP rs130003, ClinGen allele CA171787.

ClinVar aggregate classification (germline): Benign. Review status: criteria provided, multiple submitters, no conflicts (2 of 4 stars). 8 submissions from 8 submitters: Benign (8). Last evaluated 2026-02-03.

Conditions:
Rubinstein-Taybi syndrome (RSTS). Identifiers: Orphanet 783, MedGen C0035934, MONDO:0019188.
Inborn genetic diseases. Identifiers: MedGen C0950123, MeSH D030342.

Allele frequency attached by ClinVar (database versions not stated): gnomAD exomes 0.01988 and 0.01490; 1000 Genomes Project 0.00899; 1000 Genomes Project 30x 0.00937; gnomAD 0.01488 and 0.01499; ExAC 0.01489; TOPMed 0.01605; ESP Exome Variant Server 0.01763.
gnomAD v4.1: 31,147 of 1,604,394 alleles (1.9%); highest among the groups gnomAD compares: Middle Eastern, 2.6%; 412 homozygotes.

Submissions (8):

Labcorp Genetics (formerly Invitae), Labcorp
Classification: Benign for Rubinstein-Taybi syndrome. Last evaluated: 2026-02-03. Review status: criteria provided, single submitter. Criteria: Invitae Variant Classification Sherloc (09022015). Collection method: clinical testing. Allele origin: germline.

Blueprint Genetics
Classification: Benign. Last evaluated: 2024-11-27. Review status: criteria provided, single submitter. Criteria: ACMG Guidelines, 2015. Collection method: clinical testing. Allele origin: germline.

Mayo Clinic Laboratories, Mayo Clinic
Classification: Benign. Last evaluated: 2024-07-23. Review status: criteria provided, single submitter. Criteria: ACMG Guidelines, 2015. Collection method: clinical testing. Allele origin: germline. Observed: 4 variant alleles.
Comment: BS1, BS2, BP4, BP7

Ambry Genetics
Classification: Benign for Inborn genetic diseases. Last evaluated: 2016-03-23. Review status: criteria provided, single submitter. Criteria: Ambry Variant Classification Scheme 2023. Collection method: clinical testing. Allele origin: germline.

GeneDx
Classification: Benign. Last evaluated: 2015-03-03. Review status: criteria provided, single submitter. Criteria: GeneDx Variant Classification Process June 2021. Collection method: clinical testing. Allele origin: germline. Affected: yes.

Eurofins Ntd Llc (ga)
Classification: Benign. Last evaluated: 2013-12-20. Review status: criteria provided, single submitter. Criteria: EGL Classification Definitions 2015. Collection method: clinical testing. Allele origin: germline. Observed: 1 variant allele, 1 heterozygote.

Genetic Services Laboratory, University of Chicago
Classification: Benign. Last evaluated: 2013-06-10. Review status: criteria provided, single submitter. Criteria: ACMG Guidelines, 2007. Collection method: clinical testing. Allele origin: germline. Inheritance: Autosomal dominant inheritance.

Breakthrough Genomics
Classification: Benign. Review status: criteria provided, single submitter. Criteria: ACMG Guidelines, 2015. Collection method: not provided. Allele origin: germline. Inheritance: Autosomal dominant inheritance. Affected: yes.

Literature cited by the submitters: PubMed 17460549 (cited by Mayo Clinic Laboratories, Mayo Clinic); PubMed 23619509 (cited by Mayo Clinic Laboratories, Mayo Clinic).